The following is an entry in ClinVar:

ClinVar aggregate classification (germline): Pathogenic (1 of 4 stars; one submission).

Submission:

Labcorp Genetics (formerly Invitae), Labcorp
Classification: Pathogenic. Last evaluated: 2025-03-09. Review status: criteria provided, single submitter. Criteria: Invitae Variant Classification Sherloc (09022015). Collection method: clinical testing. Allele origin: germline.
Comment: This sequence change creates a premature translational stop signal (p.Gln239Profs*91) in the WDR4 gene. It is expected to result in an absent or disrupted protein product. Loss-of-function variants in WDR4 are known to be pathogenic (PMID: 29597095, 30079490). This variant is present in population databases (no rsID available, gnomAD 0.002%). This variant has not been reported in the literature in individuals affected with WDR4-related conditions. For these reasons, this variant has been classified as Pathogenic.

Literature cited by the submitters: PubMed 29597095; PubMed 30079490.

NM_018669.6(WDR4):c.715dup (p.Gln239fs)

Gene: WDR4 (WDR4 tRNA N7-guanosine methyltransferase non-catalytic subunit; minus strand). Cytogenetic location: 21q22.3.
Variant type: Duplication.
Coding change: c.715dup on transcript NM_018669.6 (MANE Select); coding-DNA position 715, one base duplicated (C; older notation c.715dupC).
Protein change: p.Gln239fs; shifts the reading frame from glutamine 239.
Molecular consequence: frameshift variant. On other transcripts: non-coding transcript variant (1).
Genome position (GRCh38, 1-based): chr21:42,855,693, G duplicated on the plus strand (C on the coding strand, the reverse complement: WDR4 is on the minus strand); the first of 5 consecutive G bases (chr21:42,855,693-42,855,697); duplicating any one gives the same sequence. VCF-style (leftmost placement, unchanged base first): chr21-42855692-T-TG. GRCh37 (hg19) VCF-style: chr21-44275802-T-TG.
Other names: c.277dup, p.Gln93fs (NM_001260477.2, NM_001260475.2, NM_001260476.2); c.715dup, p.Gln239fs (NM_033661.5, NM_001260474.2); short protein forms Q239fs, Q93fs.
Identifiers: ClinVar variation 4762027 (VCV004762027.1).
Genomic context (GRCh38, chr21:42,855,692, plus strand): 5'-GCCGGTGTCTACAAGCACTCAGTCGCCCAGGAGTGAACAGAAGCAGCTACCTGGGGGGCC[T>TG]GGGGGTCCACCAGCTCCTGCAGACTGGCCAGGTGACAGCAGTGCAGCTGGCGGCCGCTCC-3'